The following is an entry in ClinVar:

NM_007294.4(BRCA1):c.4117G>A (p.Glu1373Lys)

Gene: BRCA1 (BRCA1 DNA repair associated; minus strand). Cytogenetic location: 17q21.31.
Variant type: single nucleotide variant.
Coding change: c.4117G>A on transcript NM_007294.4 (MANE Select); coding-DNA position 4117, G replaced by A.
Protein change: p.Glu1373Lys; replaces glutamic acid 1373 with lysine.
Molecular consequence: missense variant.
Genome position (GRCh38, 1-based): chr17:43,091,012, C>T on the plus strand (G>A on the coding strand, the complement: BRCA1 is on the minus strand). VCF-style: chr17-43091012-C-T. GRCh37 (hg19) VCF-style: chr17-41243029-C-T.
Other names: c.3976G>A, p.Glu1326Lys (NM_001407851.1, NM_001407852.1, NM_001407692.1 and 29 more transcripts); c.3736G>A, p.Glu1246Lys (NM_001407959.1, NM_001407960.1, NM_001407963.1); c.3904G>A, p.Glu1302Lys (NM_001407853.1, NM_001407571.1, NM_001407894.1 and 9 more transcripts); c.3733G>A, p.Glu1245Lys (NM_001407962.1); c.4117G>A, p.Glu1373Lys (NM_001407854.1, NM_001407858.1, NM_001407859.1 and 30 more transcripts); c.3973G>A, p.Glu1325Lys (NM_001407964.1, NM_001407740.1, NM_001407741.1 and 20 more transcripts); c.4114G>A, p.Glu1372Lys (NM_001407860.1, NM_001407861.1, NM_001407587.1 and 22 more transcripts); c.3229G>A, p.Glu1077Lys (NM_001407966.1, NM_001407967.1); and 41 more; short protein forms E1077K, E1245K, E1331K, E142K, E159K, E161K, E181K, E270K.
Identifiers: ClinVar variation 2836573 (VCV002836573.4), dbSNP rs80357259, ClinGen allele CA10593494.

ClinVar aggregate classification (germline): Uncertain significance. Review status: criteria provided, multiple submitters, no conflicts (2 of 4 stars). 2 submissions from 2 submitters: Uncertain significance (2). Last evaluated 2025-09-25.

Conditions:
Hereditary cancer-predisposing syndrome. Also called: Tumor predisposition; Neoplastic Syndromes, Hereditary; Hereditary Cancer Syndrome; Hereditary neoplastic syndrome. Identifiers: Orphanet 140162, MedGen C0027672, MeSH D009386, MONDO:0015356.
Hereditary breast ovarian cancer syndrome. Also called: Hereditary breast and ovarian cancer syndrome (HBOC); Breast and ovarian cancer; BRCA1- and BRCA2-Associated Hereditary Breast and Ovarian Cancer; Hereditary breast and ovarian cancer syndrome; Hereditary breast and ovarian cancer; Hereditary breast and/or ovarian cancer syndrome. Identifiers: Orphanet 145, MedGen C0677776, MeSH D061325, MONDO:0003582. Disease mechanism: loss of function.

Submissions (2):

Ambry Genetics
Classification: Uncertain significance for Hereditary cancer-predisposing syndrome. Last evaluated: 2025-09-25. Review status: criteria provided, single submitter. Criteria: Ambry Variant Classification Scheme 2023. Collection method: clinical testing. Allele origin: germline.
Comment: The p.E1373K variant (also known as c.4117G>A), located in coding exon 10 of the BRCA1 gene, results from a G to A substitution at nucleotide position 4117. The glutamic acid at codon 1373 is replaced by lysine, an amino acid with similar properties. This amino acid position is not well conserved in available vertebrate species. In addition, the in silico prediction for this alteration is inconclusive. Based on the available evidence, the clinical significance of this variant remains unclear.

Labcorp Genetics (formerly Invitae), Labcorp
Classification: Uncertain significance for Hereditary breast ovarian cancer syndrome. Last evaluated: 2025-06-10. Review status: criteria provided, single submitter. Criteria: Invitae Variant Classification Sherloc (09022015). Collection method: clinical testing. Allele origin: germline.
Comment: This sequence change replaces glutamic acid, which is acidic and polar, with lysine, which is basic and polar, at codon 1373 of the BRCA1 protein (p.Glu1373Lys). This variant is not present in population databases (gnomAD no frequency). This variant has not been reported in the literature in individuals affected with BRCA1-related conditions. ClinVar contains an entry for this variant (Variation ID: 2836573). Invitae Evidence Modeling of protein sequence and biophysical properties (such as structural, functional, and spatial information, amino acid conservation, physicochemical variation, residue mobility, and thermodynamic stability) indicates that this missense variant is expected to disrupt BRCA1 protein function with a positive predictive value of 80%. In summary, the available evidence is currently insufficient to determine the role of this variant in disease. Therefore, it has been classified as a Variant of Uncertain Significance.